The following is an entry in ClinVar:

NM_020812.4(DOCK6):c.707C>T (p.Pro236Leu)

Gene: DOCK6 (dedicator of cytokinesis 6; minus strand). Cytogenetic location: 19p13.2.
Variant type: single nucleotide variant.
Coding change: c.707C>T on transcript NM_020812.4 (MANE Select); coding-DNA position 707, C replaced by T.
Protein change: p.Pro236Leu; replaces proline 236 with leucine.
Molecular consequence: missense variant.
Genome position (GRCh38, 1-based): chr19:11,250,887, G>A on the plus strand (C>T on the coding strand, the complement: DOCK6 is on the minus strand). VCF-style: chr19-11250887-G-A. GRCh37 (hg19) VCF-style: chr19-11361563-G-A.
Other names: c.707C>T, p.Pro236Leu (NM_001367830.1); c.707C>T (NM_020812.3, NM_020812.2); short protein forms P236L.
Identifiers: ClinVar variation 2192612 (VCV002192612.6), dbSNP rs372031674, ClinGen allele CA9208398.

ClinVar aggregate classification (germline): Conflicting classifications of pathogenicity. Review status: criteria provided, conflicting classifications (1 of 4 stars). 3 submissions from 3 submitters: Uncertain significance (1); Likely benign (1). 1 of the submissions does not count toward it. Last evaluated 2025-05-13.

Conditions:
Inborn genetic diseases. Identifiers: MedGen C0950123, MeSH D030342.
DOCK6-related disorder. Also called: DOCK6-related condition.

Allele frequency attached by ClinVar (database versions not stated): gnomAD 0.00002; ESP Exome Variant Server 0.00008; gnomAD exomes 0.00002; TOPMed 0.00002; ExAC 0.00003.
gnomAD v4.1: 33 of 1,597,814 alleles (0.0021%); highest among the groups gnomAD compares: Admixed American, 0.017%; no homozygotes.

Submissions (3):

Ambry Genetics
Classification: Likely benign for Inborn genetic diseases. Last evaluated: 2025-05-13. Review status: criteria provided, single submitter. Criteria: Ambry Variant Classification Scheme 2023. Collection method: clinical testing. Allele origin: germline.

Labcorp Genetics (formerly Invitae), Labcorp
Classification: Uncertain significance. Last evaluated: 2023-10-15. Review status: criteria provided, single submitter. Criteria: Invitae Variant Classification Sherloc (09022015). Collection method: clinical testing. Allele origin: germline.
Comment: This sequence change replaces proline, which is neutral and non-polar, with leucine, which is neutral and non-polar, at codon 236 of the DOCK6 protein (p.Pro236Leu). This variant is present in population databases (rs372031674, gnomAD 0.02%), including at least one homozygous and/or hemizygous individual. This variant has not been reported in the literature in individuals affected with DOCK6-related conditions. ClinVar contains an entry for this variant (Variation ID: 2192612). Advanced modeling of protein sequence and biophysical properties (such as structural, functional, and spatial information, amino acid conservation, physicochemical variation, residue mobility, and thermodynamic stability) performed at Invitae indicates that this missense variant is expected to disrupt DOCK6 protein function. In summary, the available evidence is currently insufficient to determine the role of this variant in disease. Therefore, it has been classified as a Variant of Uncertain Significance.

PreventionGenetics, part of Exact Sciences
Classification: Uncertain significance for DOCK6-related condition. Last evaluated: 2023-11-13. Review status: no assertion criteria provided. Collection method: clinical testing. Allele origin: germline. Not counted in ClinVar's aggregate classification.
Comment: The DOCK6 c.707C>T variant is predicted to result in the amino acid substitution p.Pro236Leu. To our knowledge, this variant has not been reported in the literature. This variant is reported in 0.020% of alleles in individuals of Latino descent in gnomAD. At this time, the clinical significance of this variant is uncertain due to the absence of conclusive functional and genetic evidence.